The following is an entry in ClinVar:

NM_024675.4(PALB2):c.1948G>T (p.Glu650Ter)

Gene: PALB2 (partner and localizer of BRCA2; minus strand). Cytogenetic location: 16p12.2.
Variant type: single nucleotide variant.
Coding change: c.1948G>T on transcript NM_024675.4 (MANE Select); coding-DNA position 1948, G replaced by T.
Protein change: p.Glu650Ter; replaces glutamic acid 650 with a stop codon.
Molecular consequence: nonsense. On other transcripts: intron variant (1).
Genome position (GRCh38, 1-based): chr16:23,630,206, C>A on the plus strand (G>T on the coding strand, the complement: PALB2 is on the minus strand). VCF-style: chr16-23630206-C-A. GRCh37 (hg19) VCF-style: chr16-23641527-C-A.
Other names: c.1888G>T, p.Glu630Ter (NM_001407296.1); c.1948G>T, p.Glu650Ter (NM_001407297.1, NM_001407298.1, NM_001407299.1 and 3 more transcripts); c.1063G>T, p.Glu355Ter (NM_001407304.1, NM_001407305.1, NM_001407306.1 and 5 more transcripts); c.160G>T, p.Glu54Ter (NM_001407312.1, NM_001407313.1); c.49-931G>T (NM_001407314.1); short protein forms E355*, E54*, E630*, E650*.
Identifiers: ClinVar variation 2673883 (VCV002673883.1), dbSNP rs1597090662, ClinGen allele CA395127403.

ClinVar aggregate classification (germline): Pathogenic (1 of 4 stars; one submission).

Conditions:
Familial cancer of breast. Also called: Hereditary breast cancer; BREAST CANCER, FAMILIAL; hereditary breast carcinoma. Identifiers: Orphanet 227535, MedGen C0346153, MONDO:0016419, OMIM 114480. Disease mechanism: loss of function.

Submission:

Myriad Genetics, Inc.
Classification: Pathogenic for Familial cancer of breast. Last evaluated: 2023-09-12. Review status: criteria provided, single submitter. Criteria: Myriad Autosomal Dominant, Autosomal Recessive and X-Linked Classification Criteria (2023). Collection method: clinical testing. Allele origin: unknown.
Comment: This variant is considered pathogenic. This variant creates a termination codon and is predicted to result in premature protein truncation.